The following is an entry in ClinVar:

ClinVar aggregate classification (germline): Likely pathogenic (1 of 4 stars; one submission).

Allele frequency attached by ClinVar (database versions not stated): gnomAD exomes below 0.00001; TOPMed below 0.00001; ExAC 0.00001.
gnomAD v4.1: 2 of 1,613,750 alleles (0.00012%); highest among the groups gnomAD compares: Non-Finnish European, 0.00017%; no homozygotes.

Submission:

Labcorp Genetics (formerly Invitae), Labcorp
Classification: Likely pathogenic. Last evaluated: 2023-05-20. Review status: criteria provided, single submitter. Criteria: Invitae Variant Classification Sherloc (09022015). Collection method: clinical testing. Allele origin: germline.
Comment: In summary, the currently available evidence indicates that the variant is pathogenic, but additional data are needed to prove that conclusively. Therefore, this variant has been classified as Likely Pathogenic. Algorithms developed to predict the effect of sequence changes on RNA splicing suggest that this variant may disrupt the consensus splice site. This variant has not been reported in the literature in individuals affected with NBAS-related conditions. The frequency data for this variant in the population databases is considered unreliable, as metrics indicate poor data quality at this position in the gnomAD database. This sequence change affects a donor splice site in intron 16 of the NBAS gene. It is expected to disrupt RNA splicing. Variants that disrupt the donor or acceptor splice site typically lead to a loss of protein function (PMID: 16199547), and loss-of-function variants in NBAS are known to be pathogenic (PMID: 26073778, 26541327, 27789416, 28031453).

Literature cited by the submitters: PubMed 16199547; PubMed 26073778; PubMed 26541327; PubMed 27789416; PubMed 28031453.

NM_015909.4(NBAS):c.1725+1G>A

Gene: NBAS (NBAS subunit of NRZ tethering complex; minus strand). Cytogenetic location: 2p24.3.
Variant type: single nucleotide variant.
Coding change: c.1725+1G>A on transcript NM_015909.4 (MANE Select); the canonical splice donor site of the intron after coding-DNA position 1725, G replaced by A.
Molecular consequence: splice donor variant.
Genome position (GRCh38, 1-based): chr2:15,473,221, C>T on the plus strand (G>A on the coding strand, the complement: NBAS is on the minus strand). VCF-style: chr2-15473221-C-T. GRCh37 (hg19) VCF-style: chr2-15613345-C-T.
Identifiers: ClinVar variation 2811348 (VCV002811348.3), dbSNP rs752937543, ClinGen allele CA1536588.